The following is an entry in ClinVar:

NM_001429.4(EP300):c.1004G>A (p.Arg335His)

Gene: EP300 (E1A binding protein p300; plus strand). Cytogenetic location: 22q13.2.
Variant type: single nucleotide variant.
Coding change: c.1004G>A on transcript NM_001429.4 (MANE Select); coding-DNA position 1004, G replaced by A.
Protein change: p.Arg335His; replaces arginine 335 with histidine.
Molecular consequence: missense variant.
Genome position (GRCh38, 1-based): chr22:41,127,584, G>A. VCF-style: chr22-41127584-G-A. GRCh37 (hg19) VCF-style: chr22-41523588-G-A.
Other names: c.1004G>A, p.Arg335His (NM_001362843.2); short protein forms R335H.
Identifiers: ClinVar variation 3345712 (VCV003345712.1).

ClinVar aggregate classification (germline): Uncertain significance (0 of 4 stars; one submission).

Conditions:
EP300-related disorder. Also called: EP300-related condition; EP300-related disorders.

gnomAD v4.1: 1 of 1,614,192 alleles (0.000062%); highest among the groups gnomAD compares: Non-Finnish European, 0.000085%; no homozygotes.

Submission:

PreventionGenetics, part of Exact Sciences
Classification: Uncertain significance for EP300-related condition. Last evaluated: 2024-07-11. Review status: no assertion criteria provided. Collection method: clinical testing. Allele origin: germline.
Comment: The EP300 c.1004G>A variant is predicted to result in the amino acid substitution p.Arg335His. To our knowledge, this variant has not been reported in the literature or in a large population database, indicating this variant is rare. At this time, the clinical significance of this variant is uncertain due to the absence of conclusive functional and genetic evidence.